The following is an entry in ClinVar:

ClinVar aggregate classification (germline): Benign/Likely benign. Review status: criteria provided, multiple submitters, no conflicts (2 of 4 stars). 2 submissions from 2 submitters: Benign (1); Likely benign (1). Last evaluated 2026-09-01.

Allele frequency attached by ClinVar (database versions not stated): TOPMed 0.00012; ESP Exome Variant Server 0.00031; 1000 Genomes Project 30x 0.00125; 1000 Genomes Project 0.00160; gnomAD 0.00408.
gnomAD v4.1: 1,508 of 1,603,252 alleles (0.094%); highest among the groups gnomAD compares: Non-Finnish European, 0.014%; 16 homozygotes.

Submissions (2):

CeGaT Center for Human Genetics Tuebingen
Classification: Likely benign. Last evaluated: 2026-09-01. Review status: criteria provided, single submitter. Criteria: CeGaT Center For Human Genetics Tuebingen Variant Classification Criteria Version 2. Collection method: clinical testing. Allele origin: germline. Affected: yes. Observed: 3 variant alleles.
Comment: GTPBP3: BP4, BP7

Labcorp Genetics (formerly Invitae), Labcorp
Classification: Benign. Last evaluated: 2026-01-12. Review status: criteria provided, single submitter. Criteria: Invitae Variant Classification Sherloc (09022015). Collection method: clinical testing. Allele origin: germline.

NM_032620.4(GTPBP3):c.1230G>A (p.Ala410=)

Gene: GTPBP3 (GTP binding protein 3, mitochondrial; plus strand). Cytogenetic location: 19p13.11.
Variant type: single nucleotide variant.
Coding change: c.1230G>A on transcript NM_032620.4 (MANE Select); coding-DNA position 1230, G replaced by A.
Protein change: p.Ala410=; no amino-acid change (alanine 410 retained).
Molecular consequence: synonymous variant.
Genome position (GRCh38, 1-based): chr19:17,341,299, G>A. VCF-style: chr19-17341299-G-A. GRCh37 (hg19) VCF-style: chr19-17452108-G-A.
Other names: c.1167G>A, p.Ala389= (NM_001128855.3); c.1296G>A, p.Ala432= (NM_001195422.1); c.1326G>A, p.Ala442= (NM_133644.4).
Identifiers: ClinVar variation 705575 (VCV000705575.32), dbSNP rs200027460, ClinGen allele CA9293670.